The following is an entry in ClinVar:

NM_001754.5(RUNX1):c.614-5A>G

Gene: RUNX1 (RUNX family transcription factor 1; minus strand). Cytogenetic location: 21q22.12.
Variant type: single nucleotide variant.
Coding change: c.614-5A>G on transcript NM_001754.5 (MANE Select); 5 bases into the intron before coding-DNA position 614, A replaced by G.
Molecular consequence: intron variant.
Genome position (GRCh38, 1-based): chr21:34,834,606, T>C on the plus strand (A>G on the coding strand, the complement: RUNX1 is on the minus strand). VCF-style: chr21-34834606-T-C. GRCh37 (hg19) VCF-style: chr21-36206903-T-C.
Other names: c.533-5A>G (NM_001001890.3, NM_001122607.2).
Identifiers: ClinVar variation 1130279 (VCV001130279.10), dbSNP rs1601416069, ClinGen allele CA2499225880.

ClinVar aggregate classification (germline): Uncertain significance. Review status: reviewed by expert panel (3 of 4 stars). 2 submissions from 2 submitters: Uncertain significance (1). 1 of the submissions does not count toward it. Last evaluated 2024-08-01.

Conditions:
Hereditary thrombocytopenia and hematologic cancer predisposition syndrome. Identifiers: Orphanet 71290, MedGen CN281654, MONDO:0011071.
Hereditary thrombocytopenia and hematological cancer predisposition syndrome associated with RUNX1. Also called: Familial Platelet Disorder with Propensity to Acute Myelogenous Leukemia; Familial thrombocytopenia with propensity to acute myelogenous leukemia; PLATELET DISORDER, ASPIRIN-LIKE; RUNX1 Familial Platelet Disorder with Associated Myeloid Malignancies. Identifiers: Orphanet 71290, MedGen C1832388, MeSH C563324, MONDO:0100083, OMIM 601399.

Allele frequency attached by ClinVar (database versions not stated): gnomAD exomes below 0.00001.
gnomAD v4.1: 5 of 1,528,112 alleles (0.00033%); highest among the groups gnomAD compares: South Asian, 0.0056%; no homozygotes.

Submissions (2):

ClinGen Myeloid Malignancy Variant Curation Expert Panel
Classification: Uncertain significance for Hereditary thrombocytopenia and hematologic cancer predisposition syndrome. Last evaluated: 2024-08-01. Review status: reviewed by expert panel. Criteria: ClinGen MyeloMalig ACMG Specifications v2. Collection method: curation. Allele origin: germline. Inheritance: Autosomal dominant inheritance.
Comment: NM_001754.5(RUNX1):c.614-5A>G is an intronic variant which is not predicted to affect gene splicing. This variant is completely absent from all population databases with at least 20x coverage for RUNX1 (gnomAD v2.1.1 and v3). This variant has not been reported in an individual meeting at least one of the RUNX1-phenotypic criteria. Multiple lines of computational evidence suggest no impact on the gene/gene product (BP4, SpliceAI ≤ 0.20). In summary, this variant meets criteria to be classified as a variant of uncertain significance. ACMG/AMP criteria applied, as specified by the Myeloid Malignancy Variant Curation Expert Panel for RUNX1: PM2_supporting, BP4.

Labcorp Genetics (formerly Invitae), Labcorp
Classification: Likely benign for Hereditary thrombocytopenia and hematological cancer predisposition syndrome associated with RUNX1. Last evaluated: 2019-11-06. Review status: criteria provided, single submitter. Criteria: Invitae Variant Classification Sherloc (09022015). Collection method: clinical testing. Allele origin: germline. Not counted in ClinVar's aggregate classification.